The following is an entry in ClinVar:

NM_012275.3(IL36RN):c.*1634A>G

Gene: IL36RN (interleukin 36 receptor antagonist; plus strand). Cytogenetic location: 2q14.1.
Variant type: single nucleotide variant.
Coding change: c.*1634A>G on transcript NM_012275.3 (MANE Select); 1634 bases downstream of the stop codon, A replaced by G.
Molecular consequence: 3 prime UTR variant.
Genome position (GRCh38, 1-based): chr2:113,064,311, A>G. VCF-style: chr2-113064311-A-G. GRCh37 (hg19) VCF-style: chr2-113821888-A-G.
Other names: c.*1634A>G (NM_173170.1).
Identifiers: ClinVar variation 330806 (VCV000330806.6), dbSNP rs2472189, ClinGen allele CA10611944.

ClinVar aggregate classification (germline): Benign. Review status: criteria provided, multiple submitters, no conflicts (2 of 4 stars). 2 submissions from 2 submitters: Benign (2). Last evaluated 2018-01-12.

Conditions:
Generalized pustular psoriasis. Identifiers: Orphanet 247353, MedGen C0343055, MONDO:0100491.

Allele frequency attached by ClinVar (database versions not stated): 1000 Genomes Project 0.16154; gnomAD 0.16427 and 0.17068; 1000 Genomes Project 30x 0.16880; TOPMed 0.18394.

Submissions (2):

Illumina Laboratory Services, Illumina
Classification: Benign for Acrodermatitis continua suppurativa of Hallopeau. Last evaluated: 2018-01-12. Review status: criteria provided, single submitter. Criteria: ICSL Variant Classification Criteria 13 December 2019. Collection method: clinical testing. Allele origin: germline.
Comment: This variant was observed in the ICSL laboratory as part of a predisposition screen in an ostensibly healthy population. It had not been previously curated by ICSL or reported in the Human Gene Mutation Database (HGMD: prior to June 1st, 2018), and was therefore a candidate for classification through an automated scoring system. Utilizing variant allele frequency, disease prevalence and penetrance estimates, and inheritance mode, an automated score was calculated to assess if this variant is too frequent to cause the disease. Based on the score and internal cut-off values, a variant classified as benign is not then subjected to further curation. The score for this variant resulted in a classification of benign for this disease.

Breakthrough Genomics
Classification: Benign. Review status: criteria provided, single submitter. Criteria: ACMG Guidelines, 2015. Collection method: not provided. Allele origin: germline. Inheritance: Autosomal recessive inheritance. Affected: yes.